The following is an entry in ClinVar:

ClinVar aggregate classification (germline): Uncertain significance. Review status: criteria provided, multiple submitters, no conflicts (2 of 4 stars). 2 submissions from 2 submitters: Uncertain significance (2). Last evaluated 2025-12-08.

Conditions:
Cardiovascular phenotype. Identifiers: MedGen CN230736.
RASopathy. Also called: rasopathies; Noonan spectrum disorder. Identifiers: Orphanet 536391, MedGen C5555857, MONDO:0021060.

gnomAD v4.1: 2 of 1,586,772 alleles (0.00013%); highest among the groups gnomAD compares: East Asian, 0.0022%; no homozygotes.

Submissions (2):

Labcorp Genetics (formerly Invitae), Labcorp
Classification: Uncertain significance for RASopathy. Last evaluated: 2025-12-08. Review status: criteria provided, single submitter. Criteria: Invitae Variant Classification Sherloc (09022015). Collection method: clinical testing. Allele origin: germline.
Comment: This sequence change replaces alanine, which is neutral and non-polar, with threonine, which is neutral and polar, at codon 577 of the PTPN11 protein (p.Ala577Thr). This variant is present in population databases (rs567223058, gnomAD 0.006%). This variant has not been reported in the literature in individuals affected with PTPN11-related conditions. ClinVar contains an entry for this variant (Variation ID: 3427733). Invitae Evidence Modeling of protein sequence and biophysical properties (such as structural, functional, and spatial information, amino acid conservation, physicochemical variation, residue mobility, and thermodynamic stability) indicates that this missense variant is not expected to disrupt PTPN11 protein function with a negative predictive value of 80%. In summary, the available evidence is currently insufficient to determine the role of this variant in disease. Therefore, it has been classified as a Variant of Uncertain Significance.

Ambry Genetics
Classification: Uncertain significance for Cardiovascular phenotype. Last evaluated: 2024-12-02. Review status: criteria provided, single submitter. Criteria: Ambry Variant Classification Scheme 2023. Collection method: clinical testing. Allele origin: germline.
Comment: The p.A577T variant (also known as c.1729G>A), located in coding exon 15 of the PTPN11 gene, results from a G to A substitution at nucleotide position 1729. The alanine at codon 577 is replaced by threonine, an amino acid with similar properties. This amino acid position is conserved. In addition, this alteration is predicted to be tolerated by in silico analysis. Based on the available evidence, the clinical significance of this variant remains unclear.

NM_002834.5(PTPN11):c.1729G>A (p.Ala577Thr)

Gene: PTPN11 (protein tyrosine phosphatase non-receptor type 11; plus strand). Cytogenetic location: 12q24.13.
Variant type: single nucleotide variant.
Coding change: c.1729G>A on transcript NM_002834.5 (MANE Select); coding-DNA position 1729, G replaced by A.
Protein change: p.Ala577Thr; replaces alanine 577 with threonine.
Molecular consequence: missense variant.
Genome position (GRCh38, 1-based): chr12:112,504,711, G>A. VCF-style: chr12-112504711-G-A. GRCh37 (hg19) VCF-style: chr12-112942515-G-A.
Other names: c.1741G>A, p.Ala581Thr (NM_001330437.2); c.1726G>A, p.Ala576Thr (NM_001374625.1); short protein forms A576T, A581T, A577T.
Identifiers: ClinVar variation 3427733 (VCV003427733.3).